The following is an entry in ClinVar:

NM_001077365.2(POMT1):c.120G>A (p.Val40=)

Gene: POMT1 (protein O-mannosyltransferase 1; plus strand). Cytogenetic location: 9q34.13.
Variant type: single nucleotide variant.
Coding change: c.120G>A on transcript NM_001077365.2 (MANE Select); coding-DNA position 120, G replaced by A.
Protein change: p.Val40=; no amino-acid change (valine 40 retained).
Molecular consequence: synonymous variant. On other transcripts: 5 prime UTR variant (4), non-coding transcript variant (4), intron variant (10).
Genome position (GRCh38, 1-based): chr9:131,504,338, G>A. VCF-style: chr9-131504338-G-A. GRCh37 (hg19) VCF-style: chr9-134379725-G-A.
Other names: c.120G>A, p.Val40= (NM_001136113.2, NM_001353193.2, NM_001353196.2 and 2 more transcripts); c.-125G>A (NM_001353195.2); c.-352G>A (NM_001353198.2); c.-74G>A (NM_001374692.1); c.-32G>A (NM_001374695.1); c.-41+1025G>A (NM_001353194.2); c.-72+1025G>A (NM_001374691.1); c.-41+1265G>A (NM_001374689.1, NM_001353197.2, NM_001077366.2 and 1 more transcripts); and 3 more.
Identifiers: ClinVar variation 2076197 (VCV002076197.4), dbSNP rs1945250983, ClinGen allele CA467421602.

ClinVar aggregate classification (germline): Uncertain significance (1 of 4 stars; one submission).

Conditions:
Muscular dystrophy-dystroglycanopathy (congenital with impaired intellectual development), type B, 1. Also called: Muscular dystrophy-dystroglycanopathy (congenital with intellectual disability), type B1; MUSCULAR DYSTROPHY, CONGENITAL, POMT1-RELATED. Identifiers: MedGen C5436962, MONDO:0013159, OMIM 613155.
Walker-Warburg congenital muscular dystrophy. Also called: Muscular dystrophy-dystroglycanopathy, type A; Walker-Warburg syndrome. Identifiers: Orphanet 899, MedGen C0265221, MONDO:0000171.
Autosomal recessive limb-girdle muscular dystrophy type 2K. Also called: MUSCULAR DYSTROPHY-DYSTROGLYCANOPATHY (LIMB-GIRDLE), TYPE C, 1; MUSCULAR DYSTROPHY, LIMB-GIRDLE, TYPE 2K. Identifiers: Orphanet 86812, MedGen C1836373, MONDO:0012248, OMIM 609308.

Submission:

Labcorp Genetics (formerly Invitae), Labcorp
Classification: Uncertain significance for Muscular dystrophy-dystroglycanopathy (congenital with impaired intellectual development), type B, 1; Walker-Warburg congenital muscular dystrophy; Autosomal recessive limb-girdle muscular dystrophy type 2K. Last evaluated: 2022-07-29. Review status: criteria provided, single submitter. Criteria: Invitae Variant Classification Sherloc (09022015). Collection method: clinical testing. Allele origin: germline.
Comment: Algorithms developed to predict the effect of sequence changes on RNA splicing suggest that this variant may disrupt the consensus splice site. In summary, the available evidence is currently insufficient to determine the role of this variant in disease. Therefore, it has been classified as a Variant of Uncertain Significance. This variant has not been reported in the literature in individuals affected with POMT1-related conditions. This sequence change affects codon 40 of the POMT1 mRNA. It is a 'silent' change, meaning that it does not change the encoded amino acid sequence of the POMT1 protein. This variant is not present in population databases (gnomAD no frequency).